The following is an entry in ClinVar:

ClinVar aggregate classification (germline): Uncertain significance. Review status: criteria provided, multiple submitters, no conflicts (2 of 4 stars). 2 submissions from 2 submitters: Uncertain significance (2). Last evaluated 2024-08-27.

Conditions:
Hereditary cancer-predisposing syndrome. Also called: Tumor predisposition; Hereditary neoplastic syndrome; Neoplastic Syndromes, Hereditary; Hereditary Cancer Syndrome. Identifiers: Orphanet 140162, MedGen C0027672, MeSH D009386, MONDO:0015356.
Ataxia-telangiectasia syndrome (AT). Also called: Ataxia-telangiectasia, complementation group D; Cerebello-oculocutaneous telangiectasia; Immunodeficiency with ataxia telangiectasia; LOUIS-BAR SYNDROME; Ataxia-telangiectasia; AT, COMPLEMENTATION GROUP C. Identifiers: Orphanet 100, MedGen C0004135, MONDO:0008840, OMIM 208900.

Allele frequency attached by ClinVar (database versions not stated): gnomAD exomes below 0.00001.
gnomAD v4.1: 1 of 1,613,828 alleles (0.000062%); highest among the groups gnomAD compares: Non-Finnish European, 0.000085%; no homozygotes.

Submissions (2):

Labcorp Genetics (formerly Invitae), Labcorp
Classification: Uncertain significance for Ataxia-telangiectasia syndrome. Last evaluated: 2024-08-27. Review status: criteria provided, single submitter. Criteria: Invitae Variant Classification Sherloc (09022015). Collection method: clinical testing. Allele origin: germline.
Comment: This sequence change replaces leucine, which is neutral and non-polar, with serine, which is neutral and polar, at codon 254 of the ATM protein (p.Leu254Ser). This variant is not present in population databases (gnomAD no frequency). This variant has not been reported in the literature in individuals affected with ATM-related conditions. ClinVar contains an entry for this variant (Variation ID: 927398). An algorithm developed to predict the effect of missense changes on protein structure and function (PolyPhen-2) suggests that this variant is likely to be disruptive. In summary, the available evidence is currently insufficient to determine the role of this variant in disease. Therefore, it has been classified as a Variant of Uncertain Significance.

Color Diagnostics, LLC DBA Color Health
Classification: Uncertain significance for Hereditary cancer-predisposing syndrome. Last evaluated: 2023-12-04. Review status: criteria provided, single submitter. Criteria: ACMG Guidelines, 2015. Collection method: clinical testing. Allele origin: germline.
Comment: This missense variant replaces leucine with serine at codon 254 of the ATM protein. Computational prediction suggests that this variant may not impact protein structure and function (internally defined REVEL score threshold <= 0.5, PMID: 27666373). To our knowledge, functional studies have not been reported for this variant. This variant has not been reported in individuals affected with ATM-related disorders in the literature. This variant has not been identified in the general population by the Genome Aggregation Database (gnomAD). The available evidence is insufficient to determine the role of this variant in disease conclusively. Therefore, this variant is classified as a Variant of Uncertain Significance.

NM_000051.4(ATM):c.761T>C (p.Leu254Ser)

Gene: ATM (ATM serine/threonine kinase; plus strand). Cytogenetic location: 11q22.3.
Variant type: single nucleotide variant.
Coding change: c.761T>C on transcript NM_000051.4 (MANE Select); coding-DNA position 761, T replaced by C.
Protein change: p.Leu254Ser; replaces leucine 254 with serine.
Molecular consequence: missense variant.
Genome position (GRCh38, 1-based): chr11:108,244,886, T>C. VCF-style: chr11-108244886-T-C. GRCh37 (hg19) VCF-style: chr11-108115613-T-C.
Other names: c.761T>C, p.Leu254Ser (NM_001351834.2); short protein forms L254S.
Identifiers: ClinVar variation 927398 (VCV000927398.6), dbSNP rs776428526, ClinGen allele CA228384770.